The following is an entry in ClinVar:

NM_198241.3(EIF4G1):c.1648G>C (p.Ala550Pro)

Gene: EIF4G1 (eukaryotic translation initiation factor 4 gamma 1; plus strand). Cytogenetic location: 3q27.1.
Variant type: single nucleotide variant.
Coding change: c.1648G>C on transcript NM_198241.3 (MANE Select); coding-DNA position 1648, G replaced by C.
Protein change: p.Ala550Pro; replaces alanine 550 with proline.
Molecular consequence: missense variant.
Genome position (GRCh38, 1-based): chr3:184,322,583, G>C. VCF-style: chr3-184322583-G-C. GRCh37 (hg19) VCF-style: chr3-184040371-G-C.
Other names: p.Ala550Pro; c.1669G>C, p.Ala557Pro (NM_001194946.2, NM_001194947.2); c.1528G>C, p.Ala510Pro (NM_001291157.2); c.1060G>C, p.Ala354Pro (NM_004953.5); c.1648G>C, p.Ala550Pro (NM_182917.4); c.1156G>C, p.Ala386Pro (NM_198242.3); c.1387G>C, p.Ala463Pro (NM_198244.3); c.1648G>C (NM_198241.2); short protein forms A354P, A386P, A463P, A510P, A550P, A557P.
Identifiers: ClinVar variation 1210091 (VCV001210091.4), dbSNP rs111924994, ClinGen allele CA2732279.
Genomic context (GRCh38, chr3:184,322,583, plus strand): 5'-CTGGATGTTCTGTTGTTCTAGGCGAACCCGGCAGTACCAGAGGTGGAAAATCAGCCTCCT[G>C]CAGGCAGCAATCCAGGCCCAGAGTCTGAGGGCAGTGGTGTGCCCCCACGTCCTGAGGAAG-3'
Protein context (NP_937884.2, residues 540-560): AVPEVENQPP[Ala550Pro]GSNPGPESEG

ClinVar aggregate classification (germline): Likely benign. Review status: criteria provided, single submitter (1 of 4 stars). 4 submissions from 4 submitters: Likely benign (1). 3 of the submissions do not count toward it. Last evaluated 2025-02-11.

Conditions:
EIF4G1-related disorder. Also called: EIF4G1-related condition.

Allele frequency attached by ClinVar (database versions not stated): gnomAD exomes 0.00109; gnomAD 0.00113 and 0.00110; ESP Exome Variant Server 0.00138; 1000 Genomes Project 30x 0.00141; 1000 Genomes Project 0.00120; ExAC 0.00096; TOPMed 0.00151.
gnomAD v4.1: 2,377 of 1,614,192 alleles (0.15%); highest among the groups gnomAD compares: Admixed American, 0.2%; 1 homozygote.

Submissions (4):

Mayo Clinic Laboratories, Mayo Clinic
Classification: Likely benign. Last evaluated: 2025-02-11. Review status: criteria provided, single submitter. Criteria: ACMG Guidelines, 2015. Collection method: clinical testing. Allele origin: germline. Observed: 1 variant allele.
Comment: BS2, BP4_moderate

PreventionGenetics, part of Exact Sciences
Classification: Likely benign for EIF4G1-related condition. Last evaluated: 2024-04-25. Review status: no assertion criteria provided. Collection method: clinical testing. Allele origin: germline. Not counted in ClinVar's aggregate classification.
Comment: This variant is classified as likely benign based on ACMG/AMP sequence variant interpretation guidelines (Richards et al. 2015 PMID: 25741868, with internal and published modifications).

Clinical Genetics DNA and cytogenetics Diagnostics Lab, Erasmus MC, Erasmus Medical Center
Classification: Likely benign. Review status: no assertion criteria provided. Collection method: clinical testing. Allele origin: germline. Affected: yes. Study: VKGL Data-share Consensus. Not counted in ClinVar's aggregate classification.

Genome Diagnostics Laboratory, Amsterdam University Medical Center
Classification: Likely benign. Review status: no assertion criteria provided. Collection method: clinical testing. Allele origin: germline. Affected: yes. Study: VKGL Data-share Consensus. Not counted in ClinVar's aggregate classification.

Literature cited by the submitters: PubMed 22658323 (cited by Mayo Clinic Laboratories, Mayo Clinic); PubMed 23408866 (cited by Mayo Clinic Laboratories, Mayo Clinic); PubMed 32707456 (cited by Mayo Clinic Laboratories, Mayo Clinic).